The following is an entry in ClinVar:

NM_002519.3(NPAT):c.4203T>G (p.Ile1401Met)

Gene: NPAT (nuclear protein, coactivator of histone transcription; minus strand). Cytogenetic location: 11q22.3.
Variant type: single nucleotide variant.
Coding change: c.4203T>G on transcript NM_002519.3 (MANE Select); coding-DNA position 4203, T replaced by G.
Protein change: p.Ile1401Met; replaces isoleucine 1401 with methionine.
Molecular consequence: missense variant.
Genome position (GRCh38, 1-based): chr11:108,160,883, A>C on the plus strand (T>G on the coding strand, the complement: NPAT is on the minus strand). VCF-style: chr11-108160883-A-C. GRCh37 (hg19) VCF-style: chr11-108031610-A-C.
Other names: c.4224T>G, p.Ile1408Met (NM_001321307.1); short protein forms I1401M, I1408M.
Identifiers: ClinVar variation 1738679 (VCV001738679.2), dbSNP rs2496692670, ClinGen allele CA382509146.
Genomic context (GRCh38, chr11:108,160,883, plus strand): 5'-TAATCACTAAAGCGGAAAAAAAAGGTGTGGTTTTGAAATTAAAACTTTCAAACTTGCCTT[A>C]ATTTTCTTCTTTTTCATTGGTATTGATGAATTTGTAAGATTTTTACTAGAAGGACGAGAG-3'
Protein context (NP_002510.2, residues 1391-1411): NSSIPMKKKK[Ile1401Met]KKKKLPSSFP

ClinVar aggregate classification (germline): Uncertain significance (1 of 4 stars; one submission).

Submission:

Ambry Genetics
Classification: Uncertain significance. Last evaluated: 2021-11-13. Review status: criteria provided, single submitter. Criteria: Ambry Variant Classification Scheme 2023. Collection method: clinical testing. Allele origin: germline.
Comment: The p.I1401M variant (also known as c.4203T>G), located in coding exon 17 of the NPAT gene, results from a T to G substitution at nucleotide position 4203. The isoleucine at codon 1401 is replaced by methionine, an amino acid with highly similar properties. This amino acid position is conserved. In addition, this alteration is predicted to be tolerated by in silico analysis. Since supporting evidence is limited at this time, the clinical significance of this alteration remains unclear.